The following is an entry in ClinVar:

NM_000135.4(FANCA):c.597-2A>G

Gene: FANCA (FA complementation group A; minus strand). Cytogenetic location: 16q24.3.
Variant type: single nucleotide variant.
Coding change: c.597-2A>G on transcript NM_000135.4 (MANE Select); the canonical splice acceptor site of the intron before coding-DNA position 597, A replaced by G.
Molecular consequence: splice acceptor variant.
Genome position (GRCh38, 1-based): chr16:89,805,394, T>C on the plus strand (A>G on the coding strand, the complement: FANCA is on the minus strand). VCF-style: chr16-89805394-T-C. GRCh37 (hg19) VCF-style: chr16-89871802-T-C.
Other names: c.597-2A>G (NM_001286167.3, NM_001018112.3); c.501-2A>G (NM_001351830.2).
Identifiers: ClinVar variation 974288 (VCV000974288.1), dbSNP rs2040602804, ClinGen allele CA397478273.
Genomic context (GRCh38, chr16:89,805,394, plus strand): 5'-CACAAAGGCAGCACAGATTCCTGAAGAGCCACGATCCCACAGCATGCATGTCGGGATGGC[T>C]GGAGACACACACAGAGGCAGACGTAAGGCTCAACTAAATCCCATCATCAGGGGATTGAGT-3'

ClinVar aggregate classification (germline): Pathogenic (0 of 4 stars; one submission).

Conditions:
Fanconi anemia complementation group A (FANCA). Also called: Fanconi anemia, group A; FANCA-Related Fanconi Anemia. Identifiers: Orphanet 84, MedGen C3469521, MONDO:0009215, OMIM 227650.

Submission:

Leiden Open Variation Database
Classification: Pathogenic for Fanconi anemia complementation group A. Last evaluated: 2020-02-28. Review status: no assertion criteria provided. Collection method: curation. Allele origin: germline. Affected: yes.
Comment: Curator: Arleen D. Auerbach. Submitter to LOVD: Arleen D. Auerbach.

Literature cited by the submitters: PubMed 10094191.